The following is an entry in ClinVar:

NM_001008388.5(CISD2):c.224T>C (p.Ile75Thr)

Genes: CISD2 (CDGSH iron sulfur domain 2; plus strand), SLC9B1 (solute carrier family 9 member B1; minus strand). Cytogenetic location: 4q24.
Variant type: single nucleotide variant.
Coding change: c.224T>C on transcript NM_001008388.5 (MANE Select); coding-DNA position 224, T replaced by C.
Protein change: p.Ile75Thr; replaces isoleucine 75 with threonine.
Molecular consequence: missense variant. On other transcripts: intron variant (1).
Genome position (GRCh38, 1-based): chr4:102,885,336, T>C. VCF-style: chr4-102885336-T-C. GRCh37 (hg19) VCF-style: chr4-103806493-T-C.
Other names: c.1333-8A>G (NM_001100874.3); short protein forms I75T.
Identifiers: ClinVar variation 377140 (VCV000377140.5), dbSNP rs1057520144, ClinGen allele CA16603281.

ClinVar aggregate classification (germline): Uncertain significance (1 of 4 stars; one submission).

Allele frequency attached by ClinVar (database versions not stated): gnomAD exomes below 0.00001; TOPMed below 0.00001.
gnomAD v4.1: 1 of 1,614,028 alleles (0.000062%); highest among the groups gnomAD compares: Admixed American, 0.0017%; no homozygotes.

Submission:

Center for Pediatric Genomic Medicine, Children's Mercy Hospital and Clinics
Classification: Uncertain significance. Last evaluated: 2016-07-13. Review status: criteria provided, single submitter. Criteria: ACMG Guidelines, 2015. Collection method: clinical testing. Allele origin: germline.
ClinVar note: Converted during submission from Uncertain Significance to Uncertain significance.